The following is an entry in ClinVar:

NM_001035.3(RYR2):c.7315G>A (p.Ala2439Thr)

Gene: RYR2 (ryanodine receptor 2; plus strand). Cytogenetic location: 1q43.
Variant type: single nucleotide variant.
Coding change: c.7315G>A on transcript NM_001035.3 (MANE Select); coding-DNA position 7315, G replaced by A.
Protein change: p.Ala2439Thr; replaces alanine 2439 with threonine.
Molecular consequence: missense variant.
Genome position (GRCh38, 1-based): chr1:237,643,420, G>A. VCF-style: chr1-237643420-G-A. GRCh37 (hg19) VCF-style: chr1-237806720-G-A.
Other names: c.7315G>A (NM_001035.2); short protein forms A2439T.
Identifiers: ClinVar variation 1007678 (VCV001007678.16), dbSNP rs367818536, ClinGen allele CA087359.

ClinVar aggregate classification (germline): Conflicting classifications of pathogenicity. Review status: criteria provided, conflicting classifications (1 of 4 stars). 4 submissions from 4 submitters: Uncertain significance (3); Likely benign (1). Last evaluated 2025-11-10.

Conditions:
Cardiomyopathy (CMYO). Also called: Cardiomyopathies. Identifiers: Orphanet 167848, MedGen C0878544, MONDO:0004994, HP:0001638. Inheritance: Various modes of inheritance.
Cardiovascular phenotype. Identifiers: MedGen CN230736.
Catecholaminergic polymorphic ventricular tachycardia 1. Also called: RYR2-Related Catecholaminergic Polymorphic Ventricular Tachycardia; VENTRICULAR TACHYCARDIA, CATECHOLAMINERGIC POLYMORPHIC, 1, WITH OR WITHOUT ATRIAL DYSFUNCTION AND/OR DILATED CARDIOMYOPATHY; VENTRICULAR TACHYCARDIA, STRESS-INDUCED POLYMORPHIC 1. Identifiers: Orphanet 3286, MedGen C1631597, MONDO:0011484, OMIM 604772.

Allele frequency attached by ClinVar (database versions not stated): ExAC 0.00002; gnomAD 0.00002; gnomAD exomes 0.00002; TOPMed 0.00002; ESP Exome Variant Server 0.00008.
gnomAD v4.1: 17 of 1,613,638 alleles (0.0011%); highest among the groups gnomAD compares: African/African-American, 0.008%; no homozygotes.

Submissions (4):

Color Diagnostics, LLC DBA Color Health
Classification: Uncertain significance for Cardiomyopathy. Last evaluated: 2025-11-10. Review status: criteria provided, single submitter. Criteria: ACMG Guidelines, 2015. Collection method: clinical testing. Allele origin: germline.
Comment: This missense variant replaces alanine with threonine at codon 2439 of the RYR2 protein. Computational prediction suggests that this variant may not impact protein structure and function. To our knowledge, functional studies have not been reported for this variant. This variant has been reported in an individual affected with arrhythmogenic right ventricular cardiomyopathy (PMID: 24981977). This variant has been identified in 17/1613638 chromosomes in the general population by the Genome Aggregation Database (gnomAD). The available evidence is insufficient to determine the role of this variant in disease conclusively. Therefore, this variant is classified as a Variant of Uncertain Significance.

Labcorp Genetics (formerly Invitae), Labcorp
Classification: Likely benign for Catecholaminergic polymorphic ventricular tachycardia 1. Last evaluated: 2025-02-15. Review status: criteria provided, single submitter. Criteria: Invitae Variant Classification Sherloc (09022015). Collection method: clinical testing. Allele origin: germline.

Ambry Genetics
Classification: Uncertain significance for Cardiovascular phenotype. Last evaluated: 2023-09-15. Review status: criteria provided, single submitter. Criteria: Ambry Variant Classification Scheme 2023. Collection method: clinical testing. Allele origin: germline.
Comment: The p.A2439T variant (also known as c.7315G>A), located in coding exon 48 of the RYR2 gene, results from a G to A substitution at nucleotide position 7315. The alanine at codon 2439 is replaced by threonine, an amino acid with similar properties. This alteration was reported in an arrhythmogenic disorders cohort (Brion M et al. Electrophoresis, 2014 Nov;35:3111-6). This amino acid position is not well conserved in available vertebrate species. In addition, this alteration is predicted to be tolerated by in silico analysis. Since supporting evidence is limited at this time, the clinical significance of this alteration remains unclear.

GeneDx
Classification: Uncertain significance. Last evaluated: 2019-05-03. Review status: criteria provided, single submitter. Criteria: GeneDx Variant Classification Process June 2021. Collection method: clinical testing. Allele origin: germline. Affected: yes.
Comment: Reported in one individual with sudden unexpected cardiac death (Brion et al., 2014), but additional clinical details or segregation studies were not described; Not observed at a significant frequency in large population cohorts (Lek et al., 2016); Is located in one of the three hot-spot regions of the RYR2 gene, where the majority of pathogenic missense variants occur (Medeiros-Domingo et al., 2009); In silico analysis, which includes protein predictors and evolutionary conservation, supports that this variant does not alter protein structure/function; This variant is associated with the following publications: (PMID: 24981977)

Literature cited by the submitters: PubMed 24981977 (cited by Color Diagnostics, LLC DBA Color Health and Ambry Genetics).